The following is an entry in ClinVar:

ClinVar aggregate classification (germline): Uncertain significance. Review status: criteria provided, multiple submitters, no conflicts (2 of 4 stars). 2 submissions from 2 submitters: Uncertain significance (2). Last evaluated 2023-09-18.

Conditions:
Infantile neuroaxonal dystrophy (NBIA2A). Also called: Infantile neuroaxonal dystrophy 1; NEURODEGENERATION WITH BRAIN IRON ACCUMULATION 2A; SEITELBERGER DISEASE. Identifiers: Orphanet 35069, MedGen C0270724, MONDO:0024457, OMIM 256600.
PLA2G6-associated neurodegeneration (PLAN). Also called: phospholipase A2-associated neurodegeneration. Identifiers: Orphanet 329303, MedGen CN204472, MONDO:0017998.

Allele frequency attached by ClinVar (database versions not stated): gnomAD exomes below 0.00001.
gnomAD v4.1: 1 of 1,556,338 alleles (0.000064%); highest among the groups gnomAD compares: Admixed American, 0.0019%; no homozygotes.

Submissions (2):

Labcorp Genetics (formerly Invitae), Labcorp
Classification: Uncertain significance for Infantile neuroaxonal dystrophy. Last evaluated: 2023-09-18. Review status: criteria provided, single submitter. Criteria: Invitae Variant Classification Sherloc (09022015). Collection method: clinical testing. Allele origin: germline.
Comment: In summary, the available evidence is currently insufficient to determine the role of this variant in disease. Therefore, it has been classified as a Variant of Uncertain Significance. This variant disrupts the p.Leu491 amino acid residue in PLA2G6. Other variant(s) that disrupt this residue have been observed in individuals with PLA2G6-related conditions (PMID: 16783378, 34272103), which suggests that this may be a clinically significant amino acid residue. Advanced modeling of protein sequence and biophysical properties (such as structural, functional, and spatial information, amino acid conservation, physicochemical variation, residue mobility, and thermodynamic stability) performed at Invitae indicates that this missense variant is expected to disrupt PLA2G6 protein function. ClinVar contains an entry for this variant (Variation ID: 2412647). This missense change has been observed in individual(s) with infantile neuroaxonal dystrophy (PMID: 16783378). This variant is present in population databases (no rsID available, gnomAD 0.004%). This sequence change replaces leucine, which is neutral and non-polar, with arginine, which is basic and polar, at codon 491 of the PLA2G6 protein (p.Leu491Arg).

Broad Center for Mendelian Genomics, Broad Institute of MIT and Harvard
Classification: Uncertain significance for PLA2G6-associated neurodegeneration. Last evaluated: 2023-01-24. Review status: criteria provided, single submitter. Criteria: ACMG Guidelines, 2015. Collection method: curation. Allele origin: germline. Inheritance: Autosomal recessive inheritance.
Comment: The p.Leu491Arg variant in PLA2G6 has been reported in 1 individual, in the compound heterozygous state, with PLA2G6-associated neurodegeneration (PMID: 16783378) and has been identified in 0.004% (1/25414) of Latino/Admixed American chromosomes by the Genome Aggregation Database (gnomAD; dbSNP ID: rs1449537489). Although this variant has been seen in the general population in a heterozygous state, its frequency is low enough to be consistent with a recessive carrier frequency. Computational prediction tools and conservation analyses suggest that this variant may impact the protein, though this information is not predictive enough to determine pathogenicity. In summary, the clinical significance of the p.Leu491Arg variant is uncertain. ACMG/AMP Criteria applied: PM2_supporting, PP3(Richards 2015).

Literature cited by the submitters: PubMed 16783378 (cited by Labcorp Genetics (formerly Invitae), Labcorp); PubMed 34272103 (cited by Labcorp Genetics (formerly Invitae), Labcorp).

NM_003560.4(PLA2G6):c.1472T>G (p.Leu491Arg)

Gene: PLA2G6 (phospholipase A2 group VI; minus strand). Cytogenetic location: 22q13.1.
Variant type: single nucleotide variant.
Coding change: c.1472T>G on transcript NM_003560.4 (MANE Select); coding-DNA position 1472, T replaced by G.
Protein change: p.Leu491Arg; replaces leucine 491 with arginine.
Molecular consequence: missense variant.
Genome position (GRCh38, 1-based): chr22:38,123,214, A>C on the plus strand (T>G on the coding strand, the complement: PLA2G6 is on the minus strand). VCF-style: chr22-38123214-A-C. GRCh37 (hg19) VCF-style: chr22-38519221-A-C.
Other names: NM_001004426.3:c.1310T>G; c.1310T>G, p.Leu437Arg (NM_001004426.3, NM_001199562.3, NM_001349865.2 and 1 more transcripts); c.1472T>G, p.Leu491Arg (NM_001349864.2); c.938T>G, p.Leu313Arg (NM_001349867.2); c.794T>G, p.Leu265Arg (NM_001349868.2); c.776T>G, p.Leu259Arg (NM_001349869.2); short protein forms L313R, L437R, L259R, L265R, L491R.
Identifiers: ClinVar variation 2412647 (VCV002412647.2), dbSNP rs1449537489, ClinGen allele CA411528021.
Genomic context (GRCh38, chr22:38,123,214, plus strand): 5'-AGGTCCTTGGTGGCCACACCCGAGGCCTTCTCGATGGCGATGAGGAGCTGGATGATGATG[A>C]GGCCTTTCACTCCTCCTCCATCCAGGCACAGCAGGTGGTCGTGGCTGCAGTGGGAACAGC-3'
Protein context (NP_003551.2, residues 481-501): LCLDGGGVKG[Leu491Arg]IIIQLLIAIE